The following is an entry in ClinVar:

ClinVar aggregate classification (germline): Uncertain significance. Review status: criteria provided, multiple submitters, no conflicts (2 of 4 stars). 2 submissions from 2 submitters: Uncertain significance (2). Last evaluated 2024-10-08.

Conditions:
Spermatogenic failure 18. Identifiers: MedGen C4539783, MONDO:0054615, OMIM 617576.
Ciliary dyskinesia, primary, 37 (CILD37). Also called: CILIARY DYSKINESIA, PRIMARY, 37, WITH OR WITHOUT SITUS INVERSUS. Identifiers: MedGen C4539798, MONDO:0033204, OMIM 617577.

Allele frequency attached by ClinVar (database versions not stated): gnomAD 0.00001; gnomAD exomes 0.00001; TOPMed 0.00001; ExAC 0.00002; 1000 Genomes Project 30x 0.00016.
gnomAD v4.1: 21 of 1,613,916 alleles (0.0013%); highest among the groups gnomAD compares: African/African-American, 0.004%; no homozygotes.

Submissions (2):

Ambry Genetics
Classification: Uncertain significance. Last evaluated: 2024-10-08. Review status: criteria provided, single submitter. Criteria: Ambry Variant Classification Scheme 2023. Collection method: clinical testing. Allele origin: germline.

Labcorp Genetics (formerly Invitae), Labcorp
Classification: Uncertain significance for Ciliary dyskinesia, primary, 37; Spermatogenic failure 18. Last evaluated: 2022-07-28. Review status: criteria provided, single submitter. Criteria: Invitae Variant Classification Sherloc (09022015). Collection method: clinical testing. Allele origin: germline.
Comment: This variant is present in population databases (rs781347169, gnomAD 0.007%). This sequence change replaces valine, which is neutral and non-polar, with methionine, which is neutral and non-polar, at codon 1514 of the DNAH1 protein (p.Val1514Met). In summary, the available evidence is currently insufficient to determine the role of this variant in disease. Therefore, it has been classified as a Variant of Uncertain Significance. This variant has not been reported in the literature in individuals affected with DNAH1-related conditions. Algorithms developed to predict the effect of missense changes on protein structure and function are either unavailable or do not agree on the potential impact of this missense change (SIFT: "Deleterious"; PolyPhen-2: "Benign"; Align-GVGD: "Class C0").

NM_015512.5(DNAH1):c.4540G>A (p.Val1514Met)

Gene: DNAH1 (dynein axonemal heavy chain 1; plus strand). Cytogenetic location: 3p21.1.
Variant type: single nucleotide variant.
Coding change: c.4540G>A on transcript NM_015512.5 (MANE Select); coding-DNA position 4540, G replaced by A.
Protein change: p.Val1514Met; replaces valine 1514 with methionine.
Molecular consequence: missense variant.
Genome position (GRCh38, 1-based): chr3:52,360,048, G>A. VCF-style: chr3-52360048-G-A. GRCh37 (hg19) VCF-style: chr3-52394064-G-A.
Other names: c.4540G>A (NM_015512.4); short protein forms V1514M.
Identifiers: ClinVar variation 2067451 (VCV002067451.6), dbSNP rs781347169, ClinGen allele CA2433934.